The following is an entry in ClinVar:

ClinVar aggregate classification (germline): Uncertain significance. Review status: criteria provided, multiple submitters, no conflicts (2 of 4 stars). 2 submissions from 2 submitters: Uncertain significance (2). Last evaluated 2024-03-17.

Conditions:
Cardiovascular phenotype. Identifiers: MedGen CN230736.
Osteogenesis imperfecta type I (OI1). Also called: OI, TYPE I; OSTEOGENESIS IMPERFECTA TARDA; OSTEOGENESIS IMPERFECTA WITH BLUE SCLERAE; Osteogenesis imperfecta type 1; Lobstein's Disease; Lobstein disease. Identifiers: Orphanet 216796, Orphanet 666, MedGen C0023931, MONDO:0008146, OMIM 166200. Disease mechanism: loss of function.

Allele frequency attached by ClinVar (database versions not stated): TOPMed below 0.00001; gnomAD exomes 0.00001.
gnomAD v4.1: 12 of 1,602,640 alleles (0.00075%); highest among the groups gnomAD compares: South Asian, 0.0022%; no homozygotes.

Submissions (2):

Genomic Medicine Center of Excellence, King Faisal Specialist Hospital and Research Centre
Classification: Uncertain significance for Osteogenesis imperfecta type I. Last evaluated: 2024-03-17. Review status: criteria provided, single submitter. Criteria: ACMG Guidelines, 2015. Collection method: research. Allele origin: germline.

Ambry Genetics
Classification: Uncertain significance for Cardiovascular phenotype. Last evaluated: 2021-03-01. Review status: criteria provided, single submitter. Criteria: Ambry Variant Classification Scheme 2023. Collection method: clinical testing. Allele origin: germline.
Comment: The p.E684K variant (also known as c.2050G>A), located in coding exon 31 of the COL1A1 gene, results from a G to A substitution at nucleotide position 2050. The glutamic acid at codon 684 is replaced by lysine, an amino acid with similar properties. This variant has been detected in the homozygous state in two probands with similar phenotype including recurrent fractures, joint laxity, respiratory distress, craniofacial dysmorphism, hypotonia, wrinkled skin, and blue sclera. The parents of these probands were reportedly clinically unaffected (Alazami AM et al. Hum Genet, 2016 May;135:525-540). This amino acid position is well conserved in available vertebrate species. In addition, this alteration is predicted to be deleterious by in silico analysis. Since supporting evidence is limited at this time, the clinical significance of this alteration remains unclear.

Literature cited by the submitters: PubMed 27023906 (cited by Ambry Genetics).

NM_000088.4(COL1A1):c.2050G>A (p.Glu684Lys)

Gene: COL1A1 (collagen type I alpha 1 chain; minus strand). Cytogenetic location: 17q21.33.
Variant type: single nucleotide variant.
Coding change: c.2050G>A on transcript NM_000088.4 (MANE Select); coding-DNA position 2050, G replaced by A.
Protein change: p.Glu684Lys; replaces glutamic acid 684 with lysine.
Molecular consequence: missense variant.
Genome position (GRCh38, 1-based): chr17:50,191,865, C>T on the plus strand (G>A on the coding strand, the complement: COL1A1 is on the minus strand). VCF-style: chr17-50191865-C-T. GRCh37 (hg19) VCF-style: chr17-48269226-C-T.
Other names: short protein forms E684K.
Identifiers: ClinVar variation 1785070 (VCV001785070.4), dbSNP rs1432430042, ClinGen allele CA400211954.